The following is an entry in ClinVar:

NM_014874.4(MFN2):c.205G>A (p.Val69Ile)

Gene: MFN2 (mitofusin 2; plus strand). Cytogenetic location: 1p36.22.
Variant type: single nucleotide variant.
Coding change: c.205G>A on transcript NM_014874.4 (MANE Select); coding-DNA position 205, G replaced by A.
Protein change: p.Val69Ile; replaces valine 69 with isoleucine.
Molecular consequence: missense variant.
Genome position (GRCh38, 1-based): chr1:11,992,584, G>A. VCF-style: chr1-11992584-G-A. GRCh37 (hg19) VCF-style: chr1-12052641-G-A.
Other names: c.205G>A, p.Val69Ile (NM_001127660.2); short protein forms V69I.
Identifiers: ClinVar variation 873747 (VCV000873747.13), dbSNP rs28940296, ClinGen allele CA598775.

ClinVar aggregate classification (germline): Conflicting classifications of pathogenicity. Review status: criteria provided, conflicting classifications (1 of 4 stars). 4 submissions from 3 submitters: Uncertain significance (1); Likely benign (3). Last evaluated 2025-04-19.

Conditions:
Charcot-Marie-Tooth disease type 2. Also called: Charcot-Marie-Tooth type 2. Identifiers: Orphanet 64746, MedGen C0270914, MONDO:0018993.
Hereditary motor and sensory neuropathy with optic atrophy. Also called: PERIPHERAL NEUROPATHY AND OPTIC ATROPHY; CHARCOT-MARIE-TOOTH DISEASE, TYPE 6. Identifiers: Orphanet 90120, MedGen C0393807, MONDO:0019551.
Inborn genetic diseases. Identifiers: MedGen C0950123, MeSH D030342.

Allele frequency attached by ClinVar (database versions not stated): TOPMed 0.00002; gnomAD 0.00001; gnomAD exomes 0.00004 and 0.00001; ExAC 0.00007.
gnomAD v4.1: 13 of 1,614,082 alleles (0.00081%); highest among the groups gnomAD compares: East Asian, 0.0089%; no homozygotes.

Submissions (4):

Labcorp Genetics (formerly Invitae), Labcorp
Classification: Likely benign for Charcot-Marie-Tooth disease type 2. Last evaluated: 2025-04-19. Review status: criteria provided, single submitter. Criteria: Invitae Variant Classification Sherloc (09022015). Collection method: clinical testing. Allele origin: germline.

Ambry Genetics
Classification: Uncertain significance for Inborn genetic diseases. Last evaluated: 2021-06-12. Review status: criteria provided, single submitter. Criteria: Ambry Variant Classification Scheme 2023. Collection method: clinical testing. Allele origin: germline.
Comment: The p.V69I variant (also known as c.205G>A), located in coding exon 2 of the MFN2 gene, results from a G to A substitution at nucleotide position 205. The valine at codon 69 is replaced by isoleucine, an amino acid with highly similar properties. This amino acid position is conserved. In addition, the in silico prediction for this alteration is inconclusive. Based on the supporting evidence, this variant is unlikely to be causative of autosomal dominant MFN2-related neuropathy; however, its contribution to the development of autosomal recessive MFN2-related neuropathy is uncertain.

Illumina Laboratory Services, Illumina
Classification: Likely benign for Neuropathy, hereditary motor and sensory, type 6A. Last evaluated: 2017-04-27. Review status: criteria provided, single submitter. Criteria: ICSL Variant Classification Criteria 13 December 2019. Collection method: clinical testing. Allele origin: germline.
Comment: This variant was observed as part of a predisposition screen in an ostensibly healthy population. A literature search was performed for the gene, cDNA change, and amino acid change (where applicable). No publications were found based on this search. Allele frequency data from public databases allowed determination this variant is unlikely to cause disease. Therefore, this variant is classified as likely benign.

Illumina Laboratory Services, Illumina
Classification: Likely benign for Charcot-Marie-Tooth disease, type 2. Last evaluated: 2017-04-27. Review status: criteria provided, single submitter. Criteria: ICSL Variant Classification Criteria 13 December 2019. Collection method: clinical testing. Allele origin: germline.
Comment: the same text as in the submission from Illumina Laboratory Services, Illumina above.